The following is an entry in ClinVar:

NM_000368.5(TSC1):c.1846G>A (p.Ala616Thr)

Gene: TSC1 (TSC complex subunit 1; minus strand). Cytogenetic location: 9q34.13.
Variant type: single nucleotide variant.
Coding change: c.1846G>A on transcript NM_000368.5 (MANE Select); coding-DNA position 1846, G replaced by A.
Protein change: p.Ala616Thr; replaces alanine 616 with threonine.
Molecular consequence: missense variant.
Genome position (GRCh38, 1-based): chr9:132,905,732, C>T on the plus strand (G>A on the coding strand, the complement: TSC1 is on the minus strand). VCF-style: chr9-132905732-C-T. GRCh37 (hg19) VCF-style: chr9-135781119-C-T.
Other names: c.1843G>A, p.Ala615Thr (NM_001162426.2); c.1693G>A, p.Ala565Thr (NM_001162427.2); c.1483G>A, p.Ala495Thr (NM_001362177.2); short protein forms A565T, A615T, A616T, A495T.
Identifiers: ClinVar variation 950825 (VCV000950825.13), dbSNP rs1845618225, ClinGen allele CA375363163.

ClinVar aggregate classification (germline): Uncertain significance. Review status: criteria provided, multiple submitters, no conflicts (2 of 4 stars). 2 submissions from 2 submitters: Uncertain significance (2). Last evaluated 2024-12-30.

Conditions:
Hereditary cancer-predisposing syndrome. Also called: Hereditary neoplastic syndrome; Tumor predisposition; Neoplastic Syndromes, Hereditary; Hereditary Cancer Syndrome. Identifiers: Orphanet 140162, MedGen C0027672, MeSH D009386, MONDO:0015356.
Tuberous sclerosis 1 (TSC1). Identifiers: Orphanet 805, MedGen C1854465, MONDO:0008612, OMIM 191100.

Submissions (2):

Ambry Genetics
Classification: Uncertain significance for Hereditary cancer-predisposing syndrome. Last evaluated: 2024-12-30. Review status: criteria provided, single submitter. Criteria: Ambry Variant Classification Scheme 2023. Collection method: clinical testing. Allele origin: germline.
Comment: The p.A616T variant (also known as c.1846G>A), located in coding exon 13 of the TSC1 gene, results from a G to A substitution at nucleotide position 1846. The alanine at codon 616 is replaced by threonine, an amino acid with similar properties. This amino acid position is highly conserved in available vertebrate species. In addition, the in silico prediction for this alteration is inconclusive. Based on the available evidence, the clinical significance of this variant remains unclear.

Labcorp Genetics (formerly Invitae), Labcorp
Classification: Uncertain significance for Tuberous sclerosis 1. Last evaluated: 2022-08-19. Review status: criteria provided, single submitter. Criteria: Invitae Variant Classification Sherloc (09022015). Collection method: clinical testing. Allele origin: germline.
Comment: In summary, the available evidence is currently insufficient to determine the role of this variant in disease. Therefore, it has been classified as a Variant of Uncertain Significance. Algorithms developed to predict the effect of missense changes on protein structure and function are either unavailable or do not agree on the potential impact of this missense change (SIFT: "Tolerated"; PolyPhen-2: "Probably Damaging"; Align-GVGD: "Class C0"). ClinVar contains an entry for this variant (Variation ID: 950825). This variant has not been reported in the literature in individuals affected with TSC1-related conditions. This variant is not present in population databases (gnomAD no frequency). This sequence change replaces alanine, which is neutral and non-polar, with threonine, which is neutral and polar, at codon 616 of the TSC1 protein (p.Ala616Thr).